The following is an entry in ClinVar:

ClinVar aggregate classification (germline): Likely benign. Review status: criteria provided, multiple submitters, no conflicts (2 of 4 stars). 2 submissions from 2 submitters: Likely benign (2). Last evaluated 2026-08-04.

Conditions:
Pheochromocytoma/paraganglioma syndrome 2. Also called: SDHAF2-Related Hereditary Paraganglioma-Pheochromocytoma Syndrome; GLOMUS TUMORS, FAMILIAL, 2; Paragangliomas 2; SDHAF2-Related Hereditary Paraganglioma-Pheochromocytoma Syndrome (Paragangliomas 2). Identifiers: Orphanet 29072, MedGen C1866552, MONDO:0011121, OMIM 601650.
Hereditary pheochromocytoma and paraganglioma. Also called: Hereditary paragangliomas and pheochromocytomas; Hereditary Paraganglioma-Pheochromocytoma Syndromes; Hereditary pheochromocytoma-paraganglioma. Identifiers: Orphanet 29072, MedGen C4274332, MONDO:0017366.

Allele frequency attached by ClinVar (database versions not stated): gnomAD exomes below 0.00001; ExAC 0.00001.
gnomAD v4.1: 20 of 1,577,226 alleles (0.0013%); highest among the groups gnomAD compares: Non-Finnish European, 0.0016%; no homozygotes.

Submissions (2):

Myriad Genetics, Inc.
Classification: Likely benign for Pheochromocytoma/paraganglioma syndrome 2. Last evaluated: 2026-08-04. Review status: criteria provided, single submitter. Criteria: Myriad Autosomal Dominant, Autosomal Recessive and X-Linked Classification Criteria (2023). Collection method: clinical testing. Allele origin: unknown.
Comment: This variant is considered likely benign. This variant is intronic and is not expected to impact mRNA splicing.

Labcorp Genetics (formerly Invitae), Labcorp
Classification: Likely benign for Hereditary pheochromocytoma and paraganglioma. Last evaluated: 2025-12-18. Review status: criteria provided, single submitter. Criteria: Invitae Variant Classification Sherloc (09022015). Collection method: clinical testing. Allele origin: germline.

NM_017841.4(SDHAF2):c.370+10A>G

Gene: SDHAF2 (succinate dehydrogenase complex assembly factor 2; plus strand). Cytogenetic location: 11q12.2.
Variant type: single nucleotide variant.
Coding change: c.370+10A>G on transcript NM_017841.4 (MANE Select); 10 bases into the intron after coding-DNA position 370, A replaced by G.
Molecular consequence: intron variant.
Genome position (GRCh38, 1-based): chr11:61,438,123, A>G. VCF-style: chr11-61438123-A-G. GRCh37 (hg19) VCF-style: chr11-61205595-A-G.
Identifiers: ClinVar variation 1136374 (VCV001136374.10), dbSNP rs754379604, ClinGen allele CA058695.